The following is an entry in ClinVar:

NM_000179.3(MSH6):c.1692A>C (p.Ser564=)

Gene: MSH6 (mutS homolog 6; plus strand). Cytogenetic location: 2p16.3.
Variant type: single nucleotide variant.
Coding change: c.1692A>C on transcript NM_000179.3 (MANE Select); coding-DNA position 1692, A replaced by C.
Protein change: p.Ser564=; no amino-acid change (serine 564 retained).
Molecular consequence: synonymous variant. On other transcripts: non-coding transcript variant (4), intron variant (2).
Genome position (GRCh38, 1-based): chr2:47,799,675, A>C. VCF-style: chr2-47799675-A-C. GRCh37 (hg19) VCF-style: chr2-48026814-A-C.
Other names: c.1302A>C, p.Ser434= (NM_001281492.2); c.786A>C, p.Ser262= (NM_001281493.2, NM_001281494.2, NM_001406811.1 and 6 more transcripts); c.1788A>C, p.Ser596= (NM_001406795.1, NM_001406802.1); c.1692A>C, p.Ser564= (NM_001406796.1, NM_001406798.1, NM_001406800.1 and 3 more transcripts); c.1395A>C, p.Ser465= (NM_001406797.1, NM_001406801.1, NM_001406805.1 and 10 more transcripts); c.1167A>C, p.Ser389= (NM_001406799.1, NM_001406806.1, NM_001406807.1); c.1614A>C, p.Ser538= (NM_001406804.1); c.1698A>C, p.Ser566= (NM_001406813.1); and 3 more.
Identifiers: ClinVar variation 3903767 (VCV003903767.1).

ClinVar aggregate classification (germline): Benign (1 of 4 stars; one submission).

Conditions:
Lynch syndrome 5 (LYNCH5). Also called: Colorectal cancer, hereditary nonpolyposis, type 5; Hereditary non-polyposis colorectal cancer, type 5. Identifiers: Orphanet 144, MedGen C1833477, MONDO:0013710, OMIM 614350. Disease mechanism: loss of function.

Submission:

Myriad Genetics, Inc.
Classification: Benign for Lynch syndrome 5. Last evaluated: 2024-12-27. Review status: criteria provided, single submitter. Criteria: Myriad Autosomal Dominant, Autosomal Recessive and X-Linked Classification Criteria (2023). Collection method: clinical testing. Allele origin: unknown.
Comment: This variant is considered benign. This variant is a silent/synonymous amino acid change and it is not expected to impact splicing.